The following is an entry in ClinVar:

NM_000059.4(BRCA2):c.6461A>C (p.Tyr2154Ser)

Gene: BRCA2 (BRCA2 DNA repair associated; plus strand). Cytogenetic location: 13q13.1.
Variant type: single nucleotide variant.
Coding change: c.6461A>C on transcript NM_000059.4 (MANE Select); coding-DNA position 6461, A replaced by C.
Protein change: p.Tyr2154Ser; replaces tyrosine 2154 with serine.
Molecular consequence: missense variant.
Genome position (GRCh38, 1-based): chr13:32,340,816, A>C. VCF-style: chr13-32340816-A-C. GRCh37 (hg19) VCF-style: chr13-32914953-A-C.
Other names: short protein forms Y2154S.
Identifiers: ClinVar variation 52110 (VCV000052110.25), dbSNP rs80358882, ClinGen allele CA024077.

ClinVar aggregate classification (germline): Conflicting classifications of pathogenicity. Review status: criteria provided, conflicting classifications (1 of 4 stars). 9 submissions from 9 submitters: Uncertain significance (6); Likely benign (2). 1 of the submissions does not count toward it. Last evaluated 2026-01-14.

Conditions:
Hereditary cancer-predisposing syndrome. Also called: Tumor predisposition; Neoplastic Syndromes, Hereditary; Hereditary neoplastic syndrome; Hereditary Cancer Syndrome. Identifiers: Orphanet 140162, MedGen C0027672, MeSH D009386, MONDO:0015356.
Hereditary breast ovarian cancer syndrome. Also called: Hereditary breast and ovarian cancer; BRCA1- and BRCA2-Associated Hereditary Breast and Ovarian Cancer; Hereditary breast and/or ovarian cancer syndrome; Hereditary breast and ovarian cancer syndrome; Breast and ovarian cancer; Hereditary breast and ovarian cancer syndrome (HBOC). Identifiers: Orphanet 145, MedGen C0677776, MeSH D061325, MONDO:0003582. Disease mechanism: loss of function.
Breast-ovarian cancer, familial, susceptibility to, 2 (BROVCA2). Also called: BRCA2 Hereditary Breast and Ovarian Cancer. Identifiers: Orphanet 145, MedGen C2675520, MONDO:0012933, OMIM 612555. Disease mechanism: loss of function.

Allele frequency attached by ClinVar (database versions not stated): gnomAD exomes below 0.00001; gnomAD 0.00001; TOPMed 0.00001.
gnomAD v4.1: 8 of 1,589,656 alleles (0.0005%); highest among the groups gnomAD compares: East Asian, 0.0045%; no homozygotes.

Submissions (9):

Labcorp Genetics (formerly Invitae), Labcorp
Classification: Uncertain significance for Hereditary breast ovarian cancer syndrome. Last evaluated: 2026-01-14. Review status: criteria provided, single submitter. Criteria: Invitae Variant Classification Sherloc (09022015). Collection method: clinical testing. Allele origin: germline.
Comment: This sequence change replaces tyrosine, which is neutral and polar, with serine, which is neutral and polar, at codon 2154 of the BRCA2 protein (p.Tyr2154Ser). This variant is present in population databases (rs80358882, gnomAD 0.06%). This missense change has been observed in individual(s) with a personal or family history of breast and/or ovarian cancer (PMID: 32806537, 35150867, 38652475). ClinVar contains an entry for this variant (Variation ID: 52110). Invitae Evidence Modeling of protein sequence and biophysical properties (such as structural, functional, and spatial information, amino acid conservation, physicochemical variation, residue mobility, and thermodynamic stability) indicates that this missense variant is not expected to disrupt BRCA2 protein function with a negative predictive value of 95%. In summary, the available evidence is currently insufficient to determine the role of this variant in disease. Therefore, it has been classified as a Variant of Uncertain Significance.

Women's Health and Genetics/Laboratory Corporation of America, LabCorp
Classification: Uncertain significance. Last evaluated: 2025-04-07. Review status: criteria provided, single submitter. Criteria: LabCorp Variant Classification Summary - May 2015. Collection method: clinical testing. Allele origin: germline.
Comment: Variant summary: BRCA2 c.6461A>C (p.Tyr2154Ser) results in a non-conservative amino acid change in the encoded protein sequence. Four of five in-silico tools predict a benign effect of the variant on protein function. The variant was absent in 229184 control chromosomes. The available data on variant occurrences in the general population are insufficient to allow any conclusion about variant significance. c.6461A>C has been reported in the literature in individuals affected with Hereditary Breast And Ovarian Cancer Syndrome without evidence of causality (e.g. Corso_2024, Foglietta_2020, Fanale_2022, Stella_2024). These report(s) do not provide unequivocal conclusions about association of the variant with Hereditary Breast And Ovarian Cancer Syndrome. To our knowledge, no experimental evidence demonstrating an impact on protein function has been reported. The following publications have been ascertained in the context of this evaluation (PMID: 38652475, 35150867, 32806537, 39062721). ClinVar contains an entry for this variant (Variation ID: 52110). Based on the evidence outlined above, the variant was classified as uncertain significance.

Color Diagnostics, LLC DBA Color Health
Classification: Uncertain significance for Hereditary cancer-predisposing syndrome. Last evaluated: 2024-11-05. Review status: criteria provided, single submitter. Criteria: ACMG Guidelines, 2015. Collection method: clinical testing. Allele origin: germline.
Comment: This missense variant replaces tyrosine with serine at codon 2154 of the BRCA2 protein. Computational prediction suggests that this variant may not impact protein structure and function. To our knowledge, functional studies have not been reported for this variant. This variant has been reported in an individual affected with breast cancer and in a suspected hereditary breast and ovarian cancer family (PMID: 32806537, 39062721) and in a breast cancer case-control meta-analysis in 1/60466 cases and 0/53461 unaffected individuals (PMID: 33471991; Leiden Open Variation Database DB-ID BRCA2_001143). A multifactorial analysis has reported a likelihood ratio for pathogenicity based on personal and family history of 1.229 from log(LR)=0.089382581 for one carrier (PMID: 31853058). A multifactorial analysis has reported a likelihood ratio for pathogenicity based on personal and family history of 1.229 from log(LR)=0.089382581 for one carrier (PMID: 31853058). This variant has been identified in 1/31404 chromosomes in the general population by the Genome Aggregation Database (gnomAD). The available evidence is insufficient to determine the role of this variant in disease conclusively. Therefore, this variant is classified as a Variant of Uncertain Significance.

Institute for Biomarker Research, Medical Diagnostic Laboratories, L.L.C.
Classification: Uncertain significance for Hereditary breast ovarian cancer syndrome. Last evaluated: 2024-06-11. Review status: criteria provided, single submitter. Criteria: ACMG Guidelines, 2015. Collection method: clinical testing. Allele origin: germline.

All of Us Research Program, National Institutes of Health
Classification: Uncertain significance for Breast-ovarian cancer, familial, susceptibility to, 2. Last evaluated: 2023-06-27. Review status: criteria provided, single submitter. Criteria: ACMG Guidelines, 2015. Collection method: clinical testing. Allele origin: germline. Inheritance: Autosomal dominant inheritance. Observed: 3 variant alleles, 3 heterozygotes.
Comment: This missense variant replaces tyrosine with serine at codon 2154 of the BRCA2 protein. Computational prediction suggests that this variant may not impact protein structure and function (internally defined REVEL score threshold <= 0.5, PMID: 27666373). To our knowledge, functional studies have not been reported for this variant. This variant has been reported in an individual affected with breast cancer (PMID: 33471991; Leiden Open Variation Database DB-ID BRCA2_001143) and two individuals with a personal or family history of breast and/or ovarian cancer (PMID: 32806537). This variant has been identified in 1/31404 chromosomes in the general population by the Genome Aggregation Database (gnomAD). The available evidence is insufficient to determine the role of this variant in disease conclusively. Therefore, this variant is classified as a Variant of Uncertain Significance.

This study involves interpretation of variants in research participants for the purpose of population health screening. Participant phenotype was not available at the time of variant classification. Additional details can be found in publication PMID: 35346344, PMCID: PMC8962531

University of Washington Department of Laboratory Medicine, University of Washington
Classification: Likely benign for Hereditary cancer-predisposing syndrome. Last evaluated: 2023-03-23. Review status: criteria provided, single submitter. Criteria: Dines et al. (Genet Med. 2020). Collection method: curation. Allele origin: germline.
Comment: Missense variant in a coldspot region where missense variants are very unlikely to be pathogenic (PMID:31911673).

BRCA2 exon 11 coldspot. Reclassification based on statistical prior probability.

Blueprint Genetics
Classification: Uncertain significance. Last evaluated: 2018-03-01. Review status: criteria provided, single submitter. Criteria: ACMG Guidelines, 2015. Collection method: clinical testing. Allele origin: germline.

Ambry Genetics
Classification: Likely benign for Hereditary cancer-predisposing syndrome. Last evaluated: 2018-02-23. Review status: criteria provided, single submitter. Criteria: Ambry Variant Classification Scheme 2023. Collection method: clinical testing. Allele origin: germline.

Breast Cancer Information Core (BIC) (BRCA2)
Classification: Uncertain significance for Breast-ovarian cancer, familial 2. Last evaluated: 2004-02-20. Review status: no assertion criteria provided. Collection method: clinical testing. Allele origin: germline. Affected: yes. Observed: 1 variant allele. Not counted in ClinVar's aggregate classification.

Literature cited by the submitters: PubMed 32806537 (cited by 4 submitters); PubMed 35150867 (cited by Labcorp Genetics (formerly Invitae), Labcorp and Women's Health and Genetics/Laboratory Corporation of America, LabCorp); PubMed 38652475 (cited by Labcorp Genetics (formerly Invitae), Labcorp and Women's Health and Genetics/Laboratory Corporation of America, LabCorp); PubMed 39062721 (cited by Women's Health and Genetics/Laboratory Corporation of America, LabCorp and Color Diagnostics, LLC DBA Color Health); PubMed 31853058 (cited by Color Diagnostics, LLC DBA Color Health); PubMed 33471991 (cited by Color Diagnostics, LLC DBA Color Health and All of Us Research Program, National Institutes of Health).